The following is an entry in ClinVar:

ClinVar aggregate classification (germline): Pathogenic (1 of 4 stars; one submission).

Submission:

GeneDx
Classification: Pathogenic. Last evaluated: 2021-10-12. Review status: criteria provided, single submitter. Criteria: GeneDx Variant Classification Process June 2021. Collection method: clinical testing. Allele origin: germline. Affected: yes.
Comment: Frameshift variant predicted to result in protein truncation or nonsense mediated decay in a gene for which loss-of-function is a known mechanism of disease; Not observed at significant frequency in large population cohorts (Lek et al., 2016); This variant is associated with the following publications: (PMID: 34040189)

NM_005499.3(UBA2):c.1376dup (p.Thr460fs)

Gene: UBA2 (ubiquitin like modifier activating enzyme 2; plus strand). Cytogenetic location: 19q13.11.
Variant type: Duplication.
Coding change: c.1376dup on transcript NM_005499.3 (MANE Select); coding-DNA position 1376, one base duplicated (T; older notation c.1376dupT).
Protein change: p.Thr460fs; shifts the reading frame from threonine 460.
Molecular consequence: frameshift variant.
Genome position (GRCh38, 1-based): chr19:34,458,899, T duplicated. VCF-style (leftmost placement, unchanged base first): chr19-34458898-G-GT. GRCh37 (hg19) VCF-style: chr19-34949803-G-GT.
Other names: c.1376dupT (NM_005499.2); short protein forms T460fs.
Identifiers: ClinVar variation 523936 (VCV000523936.4), dbSNP rs1555731122, ClinGen allele CA658799176.